The following is an entry in ClinVar:

NM_001958.5(EEF1A2):c.442C>A (p.Leu148Ile)

Genes: EEF1A2 (eukaryotic translation elongation factor 1 alpha 2; minus strand), LOC132090595 (Neanderthal introgressed variant-containing enhancer experimental_60987; plus strand). Cytogenetic location: 20q13.33.
Variant type: single nucleotide variant.
Coding change: c.442C>A on transcript NM_001958.5 (MANE Select); coding-DNA position 442, C replaced by A.
Protein change: p.Leu148Ile; replaces leucine 148 with isoleucine.
Molecular consequence: missense variant.
Genome position (GRCh38, 1-based): chr20:63,494,984, G>T on the plus strand (C>A on the coding strand, the complement: EEF1A2 is on the minus strand). VCF-style: chr20-63494984-G-T. GRCh37 (hg19) VCF-style: chr20-62126337-G-T.
Other names: short protein forms L148I.
Identifiers: ClinVar variation 2585500 (VCV002585500.1), dbSNP rs2516783334, ClinGen allele CA409650024.
Genomic context (GRCh38, chr20:63,494,984, plus strand): 5'-CGTAGCGCTTCTCGCTGTAGGCCGGCTCTGTGGAGTCCATTTTGTTCACGCCCACGATGA[G>T]CTGCTTCACACCCAGCGTGTAGGCCAGCAGGGCATGCTCCCGCGTCTGCCCATTCTTGGA-3'
Protein context (NP_001949.1, residues 138-158): LLAYTLGVKQ[Leu148Ile]IVGVNKMDST

ClinVar aggregate classification (germline): Uncertain significance (1 of 4 stars; one submission).

Conditions:
Developmental and epileptic encephalopathy, 33 (DEE33). Also called: Epileptic encephalopathy, early infantile, 33. Identifiers: Orphanet 442835, MedGen C4225337, MONDO:0014625, OMIM 616409.

Submission:

Neuberg Centre For Genomic Medicine, NCGM
Classification: Uncertain significance for Developmental and epileptic encephalopathy, 33. Review status: criteria provided, single submitter. Criteria: ACMG Guidelines, 2015. Collection method: clinical testing. Allele origin: germline. Inheritance: Autosomal dominant inheritance. Affected: yes.
Comment: The missense variant in c.442C>A (p.Leu148Ile) in EEF1A2 gene has not been reported previously as a pathogenic variant nor as a benign variant, to our knowledge. The p.Leu148Ile variant is novel (not in any individuals) in gnomAD Exomes and 1000 Genomes. The amino acid Leu at position 148 is changed to a Ile changing protein sequence and it might alter its composition and physico-chemical properties. The variant is predicted to be damaging by both SIFT and PolyPhen2. The amino acid change p.Leu148Ile in EEF1A2 is predicted as conserved by GERP++ and PhyloP across 100 vertebrates. For these reasons, this variant has been classified as Uncertain Significance (VUS).